The following is an entry in ClinVar:

ClinVar aggregate classification (germline): Conflicting classifications of pathogenicity. Review status: criteria provided, conflicting classifications (1 of 4 stars). 7 submissions from 7 submitters: Pathogenic (1); Likely pathogenic (3); Uncertain significance (3). Last evaluated 2026-02-04.

Conditions:
Sessile serrated polyposis cancer syndrome (SSPCS). Identifiers: Orphanet 157798, MedGen C4310714, MONDO:0014919, OMIM 617108.

Allele frequency attached by ClinVar (database versions not stated): ExAC 0.00001; gnomAD exomes 0.00001 and 0.00002; gnomAD 0.00003; TOPMed 0.00004; ESP Exome Variant Server 0.00008.
gnomAD v4.1: 20 of 1,614,040 alleles (0.0012%); highest among the groups gnomAD compares: Admixed American, 0.0083%; no homozygotes.

Submissions (7):

Myriad Genetics, Inc.
Classification: Pathogenic for Sessile serrated polyposis cancer syndrome. Last evaluated: 2026-02-04. Review status: criteria provided, single submitter. Criteria: Myriad Autosomal Dominant, Autosomal Recessive and X-Linked Classification Criteria (2023). Collection method: clinical testing. Allele origin: unknown.
Comment: This variant is considered pathogenic. This variant creates a termination codon and is predicted to result in premature protein truncation.

Labcorp Genetics (formerly Invitae), Labcorp
Classification: Uncertain significance. Last evaluated: 2025-11-09. Review status: criteria provided, single submitter. Criteria: Invitae Variant Classification Sherloc (09022015). Collection method: clinical testing. Allele origin: germline.
Comment: This sequence change creates a premature translational stop signal (p.Arg650*) in the RNF43 gene. It is expected to result in an absent or disrupted protein product. However, the current clinical and genetic evidence is not sufficient to establish whether loss-of-function variants in RNF43 cause disease. This variant is present in population databases (rs371553160, gnomAD 0.004%). This variant has not been reported in the literature in individuals affected with RNF43-related conditions. ClinVar contains an entry for this variant (Variation ID: 1019144). In summary, the available evidence is currently insufficient to determine the role of this variant in disease. Therefore, it has been classified as a Variant of Uncertain Significance.

Ambry Genetics
Classification: Uncertain significance. Last evaluated: 2025-09-05. Review status: criteria provided, single submitter. Criteria: Ambry Variant Classification Scheme 2023. Collection method: clinical testing. Allele origin: germline.
Comment: The p.R650* variant (also known as c.1948C>T), located in coding exon 8 of the RNF43 gene, results from a C to T substitution at nucleotide position 1948. This changes the amino acid from an arginine to a stop codon within coding exon 8. The evidence for this gene-disease relationship is limited; therefore, the clinical significance of this alteration is unclear.

Center for Genomic Medicine, Rigshospitalet, Copenhagen University Hospital
Classification: Likely pathogenic. Last evaluated: 2025-03-04. Review status: criteria provided, single submitter. Criteria: ACMG Guidelines, 2015. Collection method: clinical testing. Allele origin: germline.

GeneDx
Classification: Likely pathogenic. Last evaluated: 2024-08-01. Review status: criteria provided, single submitter. Criteria: GeneDx Variant Classification Process June 2021. Collection method: clinical testing. Allele origin: germline. Affected: yes.
Comment: Nonsense variant predicted to result in protein truncation or nonsense mediated decay in a gene for which loss of function is a known mechanism of disease; Not observed at significant frequency in large population cohorts (gnomAD); Observed in an individual with pancreatic cancer (PMID: 35171259); This variant is associated with the following publications: (PMID: 35171259)

Baylor Genetics
Classification: Uncertain significance for Sessile serrated polyposis cancer syndrome. Last evaluated: 2023-11-22. Review status: criteria provided, single submitter. Criteria: ACMG Guidelines, 2015. Collection method: clinical testing. Allele origin: unknown.

Juno Genomics, Hangzhou Juno Genomics, Inc
Classification: Likely pathogenic for Sessile serrated polyposis cancer syndrome. Review status: criteria provided, single submitter. Criteria: ACMG Guidelines, 2015. Collection method: clinical testing. Allele origin: germline.
Comment: Absent from controls (or at extremely low frequency if recessive) in Genome Aggregation Database.;Null variant in a gene where loss of function (LOF) is a known mechanism of disease.;The prevalence of the variant in affected individuals is significantly increased compared to the prevalence in controls.

NM_017763.6(RNF43):c.1948C>T (p.Arg650Ter)

Gene: RNF43 (ring finger protein 43; minus strand). Cytogenetic location: 17q22.
Variant type: single nucleotide variant.
Coding change: c.1948C>T on transcript NM_017763.6 (MANE Select); coding-DNA position 1948, C replaced by T.
Protein change: p.Arg650Ter; replaces arginine 650 with a stop codon.
Molecular consequence: nonsense.
Genome position (GRCh38, 1-based): chr17:58,357,828, G>A on the plus strand (C>T on the coding strand, the complement: RNF43 is on the minus strand). VCF-style: chr17-58357828-G-A. GRCh37 (hg19) VCF-style: chr17-56435189-G-A.
Other names: c.1948C>T (NM_017763.4); c.1948C>T, p.Arg650Ter (NM_001305544.3); c.1567C>T, p.Arg523Ter (NM_001305545.2); short protein forms R523*, R650*.
Identifiers: ClinVar variation 1019144 (VCV001019144.14), dbSNP rs371553160, ClinGen allele CA8673088.
Genomic context (GRCh38, chr17:58,357,828, plus strand): 5'-GGGGCCGAGAGCCAGGGGTGGGCTCGGAGGGACCCCCCCGCCTTTTCCTCTGTGGGTGTC[G>A]GGCAGAGAGGCTGGATTTTTGCAAGTTGAACAGACTGCTGGTACTGGGGCAGATGCTGGA-3'